The following is an entry in ClinVar:

ClinVar aggregate classification (germline): Likely benign (1 of 4 stars; one submission).

Allele frequency attached by ClinVar (database versions not stated): TOPMed 0.00077; ESP Exome Variant Server 0.00085; gnomAD 0.00109; gnomAD exomes 0.00126; ExAC 0.00220; 1000 Genomes Project 30x 0.00234; 1000 Genomes Project 0.00280.
gnomAD v4.1: 2,024 of 1,614,160 alleles (0.13%); highest among the groups gnomAD compares: South Asian, 0.86%; 11 homozygotes.

Submission:

CeGaT Center for Human Genetics Tuebingen
Classification: Likely benign. Last evaluated: 2026-03-01. Review status: criteria provided, single submitter. Criteria: CeGaT Center For Human Genetics Tuebingen Variant Classification Criteria Version 2. Collection method: clinical testing. Allele origin: germline. Affected: yes. Observed: 3 variant alleles.
Comment: SLIT3: BP4, BS2

NM_003062.4(SLIT3):c.2874C>T (p.Thr958=)

Gene: SLIT3 (slit guidance ligand 3; minus strand). Cytogenetic location: 5q34.
Variant type: single nucleotide variant.
Coding change: c.2874C>T on transcript NM_003062.4 (MANE Select); coding-DNA position 2874, C replaced by T.
Protein change: p.Thr958=; no amino-acid change (threonine 958 retained).
Molecular consequence: synonymous variant.
Genome position (GRCh38, 1-based): chr5:168,700,650, G>A on the plus strand (C>T on the coding strand, the complement: SLIT3 is on the minus strand). VCF-style: chr5-168700650-G-A. GRCh37 (hg19) VCF-style: chr5-168127655-G-A.
Other names: c.2895C>T, p.Thr965= (NM_001271946.2).
Identifiers: ClinVar variation 2656053 (VCV002656053.24), dbSNP rs140275746, ClinGen allele CA3551106.